The following is an entry in ClinVar:

ClinVar aggregate classification (germline): Uncertain significance (1 of 4 stars; one submission).

Conditions:
Fabry disease. Also called: Fabry's disease; ALPHA-GALACTOSIDASE A DEFICIENCY; ANDERSON-FABRY DISEASE; CERAMIDE TRIHEXOSIDASE DEFICIENCY; GLA DEFICIENCY; HEREDITARY DYSTOPIC LIPIDOSIS. Identifiers: Orphanet 324, MedGen C0002986, MONDO:0010526, OMIM 301500, HP:0001071. Disease mechanism: Fabry disease is due to inactivating mutations in the X-linked GLA gene resulting in deficiency of the enzyme Alpha Galactosidase-A., loss of function.

Submission:

All of Us Research Program, National Institutes of Health
Classification: Uncertain significance for Fabry disease. Last evaluated: 2023-09-17. Review status: criteria provided, single submitter. Criteria: ACMG Guidelines, 2015. Collection method: clinical testing. Allele origin: germline. Inheritance: X-linked inheritance. Observed: 1 variant allele, 1 heterozygote.
Comment: This variant is located in the GLA protein. Computational prediction suggests that this variant may not impact protein structure and function (internally defined REVEL score threshold <= 0.5, PMID: 27666373). To our knowledge, functional studies have not been reported for this variant. This variant has not been reported in individuals affected with GLA-related disorders in the literature. This variant has not been identified in the general population by the Genome Aggregation Database (gnomAD). The available evidence is insufficient to determine the role of this variant in disease conclusively. Therefore, this variant is classified as a Variant of Uncertain Significance.

This study involves interpretation of variants in research participants for the purpose of population health screening. Participant phenotype was not available at the time of variant classification. Additional details can be found in publication PMID: 35346344, PMCID: PMC8962531

NM_000169.3(GLA):c.19G>C (p.Glu7Gln)

Genes: GLA (galactosidase alpha; minus strand), RPL36A-HNRNPH2 (RPL36A-HNRNPH2 readthrough; plus strand). Cytogenetic location: Xq22.1.
Variant type: single nucleotide variant.
Coding change: c.19G>C on transcript NM_000169.3 (MANE Select); coding-DNA position 19, G replaced by C.
Protein change: p.Glu7Gln; replaces glutamic acid 7 with glutamine.
Molecular consequence: missense variant. On other transcripts: non-coding transcript variant (3), intron variant (2).
Genome position (GRCh38, 1-based): chrX:101,407,885, C>G on the plus strand (G>C on the coding strand, the complement: GLA is on the minus strand). VCF-style: chrX-101407885-C-G. GRCh37 (hg19) VCF-style: chrX-100662873-C-G.
Other names: c.19G>C, p.Glu7Gln (NM_001406747.1, NM_001406748.1, NM_001406749.1); c.301-4051C>G (NM_001199973.2); c.178-4051C>G (NM_001199974.2); short protein forms E7Q.
Identifiers: ClinVar variation 3073446 (VCV003073446.1), dbSNP rs398123207, ClinGen allele CA413937868.